The following is an entry in ClinVar:

NM_001384900.1(SEMA3D):c.1189A>G (p.Thr397Ala)

Gene: SEMA3D (semaphorin 3D; minus strand). Cytogenetic location: 7q21.11.
Variant type: single nucleotide variant.
Coding change: c.1189A>G on transcript NM_001384900.1 (MANE Select); coding-DNA position 1189, A replaced by G.
Protein change: p.Thr397Ala; replaces threonine 397 with alanine.
Molecular consequence: missense variant.
Genome position (GRCh38, 1-based): chr7:85,036,891, T>C on the plus strand (A>G on the coding strand, the complement: SEMA3D is on the minus strand). VCF-style: chr7-85036891-T-C. GRCh37 (hg19) VCF-style: chr7-84666207-T-C.
Other names: c.1189A>G, p.Thr397Ala (NM_001384901.1, NM_001384902.1, NM_001384903.1 and 1 more transcripts); short protein forms T397A.
Identifiers: ClinVar variation 5001734 (VCV005001734.1).

ClinVar aggregate classification (germline): Uncertain significance (1 of 4 stars; one submission).

Conditions:
SEMA3D-related disorder. Also called: SEMA3D-related condition.

gnomAD v4.1: 28 of 1,612,318 alleles (0.0017%); highest among the groups gnomAD compares: Non-Finnish European, 0.0023%; no homozygotes.

Submission:

PreventionGenetics, part of Exact Sciences
Classification: Uncertain significance for SEMA3D-related condition. Last evaluated: 2026-04-28. Review status: criteria provided, single submitter. Criteria: ACMG Guidelines, 2015. Collection method: clinical testing. Allele origin: germline.
Comment: The SEMA3D c.1189A>G variant is predicted to result in the amino acid substitution p.Thr397Ala. This variant was reported in an individual with severe obesity (van der Klaauw et al. 2019. PubMed ID: 30661757). This variant is reported in 0.0018% of alleles in individuals of European (Non-Finnish) descent in gnomAD. At this time, the clinical significance of this variant is uncertain due to the absence of conclusive functional and genetic evidence.